The following is an entry in ClinVar:

ClinVar aggregate classification (germline): Pathogenic/Likely pathogenic. Review status: criteria provided, multiple submitters, no conflicts (2 of 4 stars). 3 submissions from 3 submitters: Pathogenic (1); Likely pathogenic (2). Last evaluated 2024-06-19.

Conditions:
Cranioectodermal dysplasia 1 (CED1). Also called: LEVIN SYNDROME I. Identifiers: Orphanet 1515, MedGen C0432235, MONDO:0021093, OMIM 218330.

gnomAD v4.1: 13 of 1,441,292 alleles (0.0009%); highest among the groups gnomAD compares: Non-Finnish European, 0.0012%; no homozygotes.

Submissions (3):

Labcorp Genetics (formerly Invitae), Labcorp
Classification: Likely pathogenic for Cranioectodermal dysplasia 1. Last evaluated: 2024-06-19. Review status: criteria provided, single submitter. Criteria: Invitae Variant Classification Sherloc (09022015). Collection method: clinical testing. Allele origin: germline.
Comment: This sequence change affects a donor splice site in intron 27 of the IFT122 gene. It is expected to disrupt RNA splicing. Variants that disrupt the donor or acceptor splice site typically lead to a loss of protein function (PMID: 16199547), and loss-of-function variants in IFT122 are known to be pathogenic (PMID: 20493458, 23826986, 26792575). This variant is present in population databases (rs767312059, gnomAD 0.003%). This variant has not been reported in the literature in individuals affected with IFT122-related conditions. Algorithms developed to predict the effect of sequence changes on RNA splicing suggest that this variant may disrupt the consensus splice site. In summary, the currently available evidence indicates that the variant is pathogenic, but additional data are needed to prove that conclusively. Therefore, this variant has been classified as Likely Pathogenic.

GeneDx
Classification: Pathogenic. Last evaluated: 2024-03-22. Review status: criteria provided, single submitter. Criteria: GeneDx Variant Classification Process June 2021. Collection method: clinical testing. Allele origin: germline. Affected: yes.
Comment: Canonical splice site variant predicted to result in a null allele in a gene for which loss of function is a known mechanism of disease.; Not observed at significant frequency in large population cohorts (gnomAD); Has not been previously published as pathogenic or benign to our knowledge

Fulgent Genetics
Classification: Likely pathogenic for Cranioectodermal dysplasia 1. Last evaluated: 2024-03-08. Review status: criteria provided, single submitter. Criteria: ACMG Guidelines, 2015. Collection method: clinical testing. Allele origin: germline.

Literature cited by the submitters: PubMed 16199547 (cited by Labcorp Genetics (formerly Invitae), Labcorp); PubMed 20493458 (cited by Labcorp Genetics (formerly Invitae), Labcorp); PubMed 23826986 (cited by Labcorp Genetics (formerly Invitae), Labcorp); PubMed 26792575 (cited by Labcorp Genetics (formerly Invitae), Labcorp).

NM_052989.3(IFT122):c.3265+1G>A

Gene: IFT122 (intraflagellar transport 122; plus strand). Cytogenetic location: 3q22.1.
Variant type: single nucleotide variant.
Coding change: c.3265+1G>A on transcript NM_052989.3 (MANE Select); the canonical splice donor site of the intron after coding-DNA position 3265, G replaced by A.
Molecular consequence: splice donor variant.
Genome position (GRCh38, 1-based): chr3:129,515,600, G>A. VCF-style: chr3-129515600-G-A. GRCh37 (hg19) VCF-style: chr3-129234443-G-A.
Other names: c.2815+1G>A (NM_001280545.2); c.3418+1G>A (NM_052985.4); c.3244+1G>A (NM_001280541.2); c.3268+1G>A (NM_001410808.1); c.3211+1G>A (NM_001410809.1); c.3091+1G>A (NM_001410810.1); c.3088+1G>A (NM_018262.4); c.3037+1G>A (NM_001410811.1); and 5 more.
Identifiers: ClinVar variation 3343101 (VCV003343101.4).